The following is an entry in ClinVar:

ClinVar aggregate classification (germline): Likely pathogenic (1 of 4 stars; one submission).

Submission:

Labcorp Genetics (formerly Invitae), Labcorp
Classification: Likely pathogenic. Last evaluated: 2024-09-10. Review status: criteria provided, single submitter. Criteria: Invitae Variant Classification Sherloc (09022015). Collection method: clinical testing. Allele origin: germline.
Comment: This sequence change affects a donor splice site in intron 29 of the NBAS gene. It is expected to disrupt RNA splicing. Variants that disrupt the donor or acceptor splice site typically lead to a loss of protein function (PMID: 16199547), and loss-of-function variants in NBAS are known to be pathogenic (PMID: 26073778, 26541327, 27789416, 28031453). This variant is not present in population databases (gnomAD no frequency). This variant has not been reported in the literature in individuals affected with NBAS-related conditions. Algorithms developed to predict the effect of sequence changes on RNA splicing suggest that this variant may disrupt the consensus splice site. In summary, the currently available evidence indicates that the variant is pathogenic, but additional data are needed to prove that conclusively. Therefore, this variant has been classified as Likely Pathogenic.

Literature cited by the submitters: PubMed 16199547; PubMed 26073778; PubMed 26541327; PubMed 27789416; PubMed 28031453.

NM_015909.4(NBAS):c.3360+1G>A

Gene: NBAS (NBAS subunit of NRZ tethering complex; minus strand). Cytogenetic location: 2p24.3.
Variant type: single nucleotide variant.
Coding change: c.3360+1G>A on transcript NM_015909.4 (MANE Select); the canonical splice donor site of the intron after coding-DNA position 3360, G replaced by A.
Molecular consequence: splice donor variant.
Genome position (GRCh38, 1-based): chr2:15,383,214, C>T on the plus strand (G>A on the coding strand, the complement: NBAS is on the minus strand). VCF-style: chr2-15383214-C-T. GRCh37 (hg19) VCF-style: chr2-15523338-C-T.
Identifiers: ClinVar variation 2786530 (VCV002786530.3), dbSNP rs2528785906, ClinGen allele CA345897882.
Genomic context (GRCh38, chr2:15,383,214, plus strand): 5'-ATAAACCATAACAATTAAAATTGTTAAATTAAAAAAAAATCGTATATGGTTCTAGAGTTA[C>T]CTCATAGCAGGCATCAGAATCTAGACATGTGTATACATTCTGCTGCATAGTTAACATGTC-3'